The following is an entry in ClinVar:

ClinVar aggregate classification (germline): Uncertain significance (1 of 4 stars; one submission).

Allele frequency attached by ClinVar (database versions not stated): gnomAD exomes 0.00003; ExAC 0.00004; gnomAD 0.00011; TOPMed 0.00011; ESP Exome Variant Server 0.00016.
gnomAD v4.1: 95 of 1,614,078 alleles (0.0059%); highest among the groups gnomAD compares: African/African-American, 0.033%; no homozygotes.

Submission:

Labcorp Genetics (formerly Invitae), Labcorp
Classification: Uncertain significance. Last evaluated: 2022-01-13. Review status: criteria provided, single submitter. Criteria: Invitae Variant Classification Sherloc (09022015). Collection method: clinical testing. Allele origin: germline.
Comment: This sequence change falls in intron 17 of the HTT gene. It does not directly change the encoded amino acid sequence of the HTT protein. It affects a nucleotide within the consensus splice site. In summary, the available evidence is currently insufficient to determine the role of this variant in disease. Therefore, it has been classified as a Variant of Uncertain Significance. Variants that disrupt the consensus splice site are a relatively common cause of aberrant splicing (PMID: 17576681, 9536098). Experimental studies and prediction algorithms are not available or were not evaluated, and the effect of this variant on mRNA splicing is currently unknown. This variant has not been reported in the literature in individuals affected with HTT-related conditions. This variant is present in population databases (rs111903799, gnomAD 0.008%).

Literature cited by the submitters: PubMed 17576681; PubMed 9536098.

NM_001388492.1(HTT):c.2395+5C>T

Gene: HTT (huntingtin; plus strand). Cytogenetic location: 4p16.3.
Variant type: single nucleotide variant.
Coding change: c.2395+5C>T on transcript NM_001388492.1 (MANE Select); 5 bases into the intron after coding-DNA position 2395, C replaced by T.
Molecular consequence: intron variant.
Genome position (GRCh38, 1-based): chr4:3,132,725, C>T. VCF-style: chr4-3132725-C-T. GRCh37 (hg19) VCF-style: chr4-3134452-C-T.
Other names: c.2395+5C>T (NM_002111.8).
Identifiers: ClinVar variation 1405231 (VCV001405231.6), dbSNP rs111903799, ClinGen allele CA2823820.